The following is an entry in ClinVar:

NM_015046.7(SETX):c.3568A>G (p.Lys1190Glu)

Gene: SETX (senataxin; minus strand). Cytogenetic location: 9q34.13.
Variant type: single nucleotide variant.
Coding change: c.3568A>G on transcript NM_015046.7 (MANE Select); coding-DNA position 3568, A replaced by G.
Protein change: p.Lys1190Glu; replaces lysine 1190 with glutamic acid.
Molecular consequence: missense variant.
Genome position (GRCh38, 1-based): chr9:132,328,030, T>C on the plus strand (A>G on the coding strand, the complement: SETX is on the minus strand). VCF-style: chr9-132328030-T-C. GRCh37 (hg19) VCF-style: chr9-135203417-T-C.
Other names: p.Lys1190Glu; c.3568A>G, p.Lys1190Glu (NM_001351527.2, NM_001351528.2); short protein forms K1190E.
Identifiers: ClinVar variation 536397 (VCV000536397.23), dbSNP rs35473230, ClinGen allele CA5297373.

ClinVar aggregate classification (germline): Benign/Likely benign. Review status: criteria provided, multiple submitters, no conflicts (2 of 4 stars). 12 submissions from 11 submitters: Benign (6); Likely benign (2). 4 of the submissions do not count toward it. Last evaluated 2026-01-03.

Conditions:
SETX-related disorder. Also called: SETX-related condition; SETX-related disorders. Identifiers: MedGen CN239403.
Amyotrophic lateral sclerosis type 4 (ALS4). Also called: AMYOTROPHIC LATERAL SCLEROSIS 4, JUVENILE; NEURONOPATHY, DISTAL HEREDITARY MOTOR, WITH PYRAMIDAL FEATURES. Identifiers: Orphanet 357043, MedGen C1865409, MONDO:0011223, OMIM 602433.
Spinocerebellar ataxia, autosomal recessive, with axonal neuropathy 2 (SCAN2). Also called: ATAXIA-OCULOMOTOR APRAXIA 2; Ataxia with Oculomotor Apraxia; Ataxia with Oculomotor Apraxia Type 2; Ataxia-ocular apraxia-2. Identifiers: Orphanet 64753, MedGen C1853761, MONDO:0018996, OMIM 606002.

Allele frequency attached by ClinVar (database versions not stated): gnomAD exomes 0.00074; ExAC 0.00093; 1000 Genomes Project 30x 0.00281; gnomAD 0.00335 and 0.00364; ESP Exome Variant Server 0.00338; 1000 Genomes Project 0.00339; TOPMed 0.00349.
gnomAD v4.1: 964 of 1,614,124 alleles (0.06%); highest among the groups gnomAD compares: African/African-American, 1.2%; 3 homozygotes.

Submissions (12):

Labcorp Genetics (formerly Invitae), Labcorp
Classification: Benign for Amyotrophic lateral sclerosis type 4; Spinocerebellar ataxia, autosomal recessive, with axonal neuropathy 2. Last evaluated: 2026-01-03. Review status: criteria provided, single submitter. Criteria: Invitae Variant Classification Sherloc (09022015). Collection method: clinical testing. Allele origin: germline.

Blueprint Genetics
Classification: Likely benign. Last evaluated: 2024-07-01. Review status: criteria provided, single submitter. Criteria: ACMG Guidelines, 2015. Collection method: clinical testing. Allele origin: germline.

ARUP Laboratories, Molecular Genetics and Genomics, ARUP Laboratories
Classification: Likely benign. Last evaluated: 2023-12-20. Review status: criteria provided, single submitter. Criteria: ARUP Molecular Germline Variant Investigation Process 2024. Collection method: clinical testing. Allele origin: germline.

Mayo Clinic Laboratories, Mayo Clinic
Classification: Benign. Last evaluated: 2023-08-22. Review status: criteria provided, single submitter. Criteria: ACMG Guidelines, 2015. Collection method: clinical testing. Allele origin: germline. Observed: 2 variant alleles.
Comment: BA1, BP4

Genome-Nilou Lab
Classification: Benign for Spinocerebellar ataxia, autosomal recessive, with axonal neuropathy 2. Last evaluated: 2023-02-08. Review status: criteria provided, single submitter. Criteria: ACMG Guidelines, 2015. Collection method: clinical testing. Allele origin: germline.

Genome-Nilou Lab
Classification: Benign for Amyotrophic lateral sclerosis type 4. Last evaluated: 2023-02-08. Review status: criteria provided, single submitter. Criteria: ACMG Guidelines, 2015. Collection method: clinical testing. Allele origin: germline.

Athena Diagnostics
Classification: Benign. Last evaluated: 2018-07-30. Review status: criteria provided, single submitter. Criteria: Athena Diagnostics Criteria. Collection method: clinical testing. Allele origin: germline.

Breakthrough Genomics
Classification: Benign. Review status: criteria provided, single submitter. Criteria: ACMG Guidelines, 2015. Collection method: not provided. Allele origin: germline. Inheritance: Autosomal recessive inheritance. Affected: yes.

PreventionGenetics, part of Exact Sciences
Classification: Benign for SETX-related condition. Last evaluated: 2019-05-30. Review status: no assertion criteria provided. Collection method: clinical testing. Allele origin: germline. Not counted in ClinVar's aggregate classification.
Comment: This variant is classified as benign based on ACMG/AMP sequence variant interpretation guidelines (Richards et al. 2015 PMID: 25741868, with internal and published modifications).

Clinical Genetics DNA and cytogenetics Diagnostics Lab, Erasmus MC, Erasmus Medical Center
Classification: Benign. Review status: no assertion criteria provided. Collection method: clinical testing. Allele origin: germline. Affected: yes. Study: VKGL Data-share Consensus. Not counted in ClinVar's aggregate classification.

Diagnostic Laboratory, Department of Genetics, University Medical Center Groningen
Classification: Likely benign. Review status: no assertion criteria provided. Collection method: clinical testing. Allele origin: germline. Affected: yes. Study: VKGL Data-share Consensus. Not counted in ClinVar's aggregate classification.

Genome Diagnostics Laboratory, Amsterdam University Medical Center
Classification: Likely benign. Review status: no assertion criteria provided. Collection method: clinical testing. Allele origin: germline. Affected: yes. Study: VKGL Data-share Consensus. Not counted in ClinVar's aggregate classification.